The following is an entry in ClinVar:

ClinVar aggregate classification (germline): Uncertain significance (1 of 4 stars; one submission).

Submission:

Labcorp Genetics (formerly Invitae), Labcorp
Classification: Uncertain significance. Last evaluated: 2022-04-20. Review status: criteria provided, single submitter. Criteria: Invitae Variant Classification Sherloc (09022015). Collection method: clinical testing. Allele origin: germline.
Comment: In summary, the available evidence is currently insufficient to determine the role of this variant in disease. Therefore, it has been classified as a Variant of Uncertain Significance. Algorithms developed to predict the effect of missense changes on protein structure and function (SIFT, PolyPhen-2, Align-GVGD) all suggest that this variant is likely to be tolerated. This sequence change replaces serine, which is neutral and polar, with proline, which is neutral and non-polar, at codon 98 of the SLC32A1 protein (p.Ser98Pro). This variant is not present in population databases (gnomAD no frequency). This variant has not been reported in the literature in individuals affected with SLC32A1-related conditions.

NM_080552.3(SLC32A1):c.292T>C (p.Ser98Pro)

Gene: SLC32A1 (solute carrier family 32 member 1; plus strand). Cytogenetic location: 20q11.23.
Variant type: single nucleotide variant.
Coding change: c.292T>C on transcript NM_080552.3 (MANE Select); coding-DNA position 292, T replaced by C.
Protein change: p.Ser98Pro; replaces serine 98 with proline.
Molecular consequence: missense variant.
Genome position (GRCh38, 1-based): chr20:38,725,016, T>C. VCF-style: chr20-38725016-T-C. GRCh37 (hg19) VCF-style: chr20-37353659-T-C.
Other names: short protein forms S98P.
Identifiers: ClinVar variation 2126895 (VCV002126895.4), dbSNP rs2515235589, ClinGen allele CA408902479.